The following is an entry in ClinVar:

NM_024747.6(HPS6):c.256_264dup (p.Trp86_Ala88dup)

Genes: HPS6 (HPS6 biogenesis of lysosomal organelles complex 2 subunit 3; plus strand), LOC130004578 (ATAC-STARR-seq lymphoblastoid silent region 2738; plus strand). Cytogenetic location: 10q24.32.
Variant type: Duplication.
Coding change: c.256_264dup on transcript NM_024747.6 (MANE Select); coding-DNA positions 256 to 264, 9 bases duplicated (TGGCCAGCG; older notation c.256_264dupTGGCCAGCG).
Protein change: p.Trp86_Ala88dup.
Molecular consequence: inframe insertion.
Genome position (GRCh38, 1-based): chr10:102,065,730-102,065,738, TGGCCAGCG duplicated; duplicating any 9 consecutive bases within chr10:102,065,728-102,065,738 gives the same sequence; the c. name uses the placement nearest the transcript's 3' end. VCF-style (leftmost placement, unchanged base first): chr10-102065727-C-CCGTGGCCAG. GRCh37 (hg19) VCF-style: chr10-103825484-C-CCGTGGCCAG.
Identifiers: ClinVar variation 988873 (VCV000988873.4), dbSNP rs1208203730, ClinGen allele CA595247405.

ClinVar aggregate classification (germline): Uncertain significance. Review status: criteria provided, single submitter (1 of 4 stars). 2 submissions from 2 submitters: Uncertain significance (1). 1 of the submissions does not count toward it. Last evaluated 2021-10-22.

Conditions:
Abnormal bleeding. Also called: Bleeding diathesis. Identifiers: MedGen C1458140, HP:0001892.
Thrombocytopenia. Identifiers: MedGen C0040034, MeSH D013921, MONDO:0002049, HP:0001873.

Submissions (2):

Labcorp Genetics (formerly Invitae), Labcorp
Classification: Uncertain significance. Last evaluated: 2021-10-22. Review status: criteria provided, single submitter. Criteria: Invitae Variant Classification Sherloc (09022015). Collection method: clinical testing. Allele origin: germline.
Comment: This variant, c.256_264dup, results in the insertion of 3 amino acid(s) to the HPS6 protein (p.Trp86_Ala88dup), but otherwise preserves the integrity of the reading frame. The frequency data for this variant in the population databases is considered unreliable, as metrics indicate insufficient coverage at this position in the ExAC database. This variant has not been reported in the literature in individuals affected with HPS6-related conditions. ClinVar contains an entry for this variant (Variation ID: 988873). Experimental studies and prediction algorithms are not available or were not evaluated, and the functional significance of this variant is currently unknown. In summary, the available evidence is currently insufficient to determine the role of this variant in disease. Therefore, it has been classified as a Variant of Uncertain Significance.

Birmingham Platelet Group; University of Birmingham
Classification: Uncertain significance for Thrombocytopenia; Abnormal bleeding. Last evaluated: 2020-05-01. Review status: no assertion criteria provided. Collection method: research. Allele origin: germline. Affected: yes. Not counted in ClinVar's aggregate classification.